The following is an entry in ClinVar:

NM_000388.4(CASR):c.2033G>A (p.Arg678His)

Gene: CASR (calcium sensing receptor; plus strand). Cytogenetic location: 3q21.1.
Variant type: single nucleotide variant.
Coding change: c.2033G>A on transcript NM_000388.4 (MANE Select); coding-DNA position 2033, G replaced by A.
Protein change: p.Arg678His; replaces arginine 678 with histidine.
Molecular consequence: missense variant.
Genome position (GRCh38, 1-based): chr3:122,283,987, G>A. VCF-style: chr3-122283987-G-A. GRCh37 (hg19) VCF-style: chr3-122002834-G-A.
Other names: c.2063G>A, p.Arg688His (NM_001178065.2); short protein forms R678H, R688H.
Identifiers: ClinVar variation 862287 (VCV000862287.10), dbSNP rs1278025825, ClinGen allele CA354158349.

ClinVar aggregate classification (germline): Uncertain significance. Review status: criteria provided, multiple submitters, no conflicts (2 of 4 stars). 3 submissions from 3 submitters: Uncertain significance (3). Last evaluated 2025-07-16.

Conditions:
Familial hypocalciuric hypercalcemia (FHH). Also called: Familial benign hypercalcemia. Identifiers: Orphanet 405, MedGen C1809471, MONDO:0018458.
Autosomal dominant hypocalcemia 1 (HYPOC1). Also called: HYPOCALCEMIA, FAMILIAL. Identifiers: MedGen C3715128, MONDO:0011013, OMIM 601198.

Allele frequency attached by ClinVar (database versions not stated): TOPMed below 0.00001; gnomAD exomes 0.00001.
gnomAD v4.1: 12 of 1,613,574 alleles (0.00074%); highest among the groups gnomAD compares: South Asian, 0.0022%; no homozygotes.

Submissions (3):

Women's Health and Genetics/Laboratory Corporation of America, LabCorp
Classification: Uncertain significance. Last evaluated: 2025-07-16. Review status: criteria provided, single submitter. Criteria: LabCorp Variant Classification Summary - May 2015. Collection method: clinical testing. Allele origin: germline.
Comment: Variant summary: CASR c.2033G>A (p.Arg678His) results in a non-conservative amino acid change in the encoded protein sequence. Algorithms developed to predict the effect of missense changes on protein structure and function all suggest that this variant is likely to be disruptive. The frequency data for this variant in gnomAD is considered unreliable, as metrics indicate poor data quality at this position. c.2033G>A has been observed in an individual affected with Familial Hypocalciuric Hypercalcemia (Vargas-Poussou_2016). This report does not provide unequivocal conclusions about association of the variant with Familial Hypocalciuric Hypercalcemia. To our knowledge, no experimental evidence demonstrating an impact on protein function has been reported. The following publication has been ascertained in the context of this evaluation (PMID: 26963950). ClinVar contains an entry for this variant (Variation ID: 862287). Based on the evidence outlined above, the variant was classified as uncertain significance.

Center for Genomic Medicine, Rigshospitalet, Copenhagen University Hospital
Classification: Uncertain significance. Last evaluated: 2025-03-04. Review status: criteria provided, single submitter. Criteria: ACMG Guidelines, 2015. Collection method: clinical testing. Allele origin: germline.

Labcorp Genetics (formerly Invitae), Labcorp
Classification: Uncertain significance for Familial hypocalciuric hypercalcemia; Autosomal dominant hypocalcemia 1. Last evaluated: 2024-10-17. Review status: criteria provided, single submitter. Criteria: Invitae Variant Classification Sherloc (09022015). Collection method: clinical testing. Allele origin: germline.
Comment: This sequence change replaces arginine, which is basic and polar, with histidine, which is basic and polar, at codon 678 of the CASR protein (p.Arg678His). This variant is not present in population databases (gnomAD no frequency). This missense change has been observed in individual(s) with familial hypocalciuric hypercalcemia (PMID: 26963950). ClinVar contains an entry for this variant (Variation ID: 862287). An algorithm developed to predict the effect of missense changes on protein structure and function (PolyPhen-2) suggests that this variant is likely to be disruptive. In summary, the available evidence is currently insufficient to determine the role of this variant in disease. Therefore, it has been classified as a Variant of Uncertain Significance.

Literature cited by the submitters: PubMed 26963950 (cited by 3 submitters).